The following is an entry in ClinVar:

NM_024685.4(BBS10):c.6A>G (p.Leu2=)

Gene: BBS10 (Bardet-Biedl syndrome 10; minus strand). Cytogenetic location: 12q21.2.
Variant type: single nucleotide variant.
Coding change: c.6A>G on transcript NM_024685.4 (MANE Select); coding-DNA position 6, A replaced by G.
Protein change: p.Leu2=; no amino-acid change (leucine 2 retained).
Molecular consequence: synonymous variant.
Genome position (GRCh38, 1-based): chr12:76,348,353, T>C on the plus strand (A>G on the coding strand, the complement: BBS10 is on the minus strand). VCF-style: chr12-76348353-T-C. GRCh37 (hg19) VCF-style: chr12-76742133-T-C.
Other names: c.6A>G (NM_024685.3).
Identifiers: ClinVar variation 1156416 (VCV001156416.11), dbSNP rs1333383849, ClinGen allele CA480794333.

ClinVar aggregate classification (germline): Likely benign. Review status: criteria provided, multiple submitters, no conflicts (2 of 4 stars). 3 submissions from 3 submitters: Likely benign (3). Last evaluated 2026-06-23.

Conditions:
Bardet-Biedl syndrome 10 (BBS10). Identifiers: Orphanet 110, MedGen C1859568, MONDO:0014438, OMIM 615987.
BBS10-related disorder. Also called: BBS10-related condition.
Bardet-Biedl syndrome (BBS). Identifiers: Orphanet 110, MedGen C0752166, MONDO:0015229.

Allele frequency attached by ClinVar (database versions not stated): gnomAD exomes below 0.00001; TOPMed below 0.00001; gnomAD 0.00001.

Submissions (3):

PreventionGenetics, part of Exact Sciences
Classification: Likely benign for BBS10-related condition. Last evaluated: 2026-06-23. Review status: criteria provided, single submitter. Criteria: ACMG Guidelines, 2015. Collection method: clinical testing. Allele origin: germline.
Comment: This variant is classified as likely benign based on ACMG/AMP sequence variant interpretation guidelines (Richards et al. 2015 PMID: 25741868, with internal and published modifications).

Labcorp Genetics (formerly Invitae), Labcorp
Classification: Likely benign for Bardet-Biedl syndrome. Last evaluated: 2025-09-28. Review status: criteria provided, single submitter. Criteria: Invitae Variant Classification Sherloc (09022015). Collection method: clinical testing. Allele origin: germline.

Fulgent Genetics
Classification: Likely benign for Bardet-Biedl syndrome 10. Last evaluated: 2022-03-09. Review status: criteria provided, single submitter. Criteria: ACMG Guidelines, 2015. Collection method: clinical testing. Allele origin: unknown.